The following is an entry in ClinVar:

ClinVar aggregate classification (germline): Uncertain significance (1 of 4 stars; one submission).

Allele frequency attached by ClinVar (database versions not stated): ExAC 0.00001.

Submission:

Labcorp Genetics (formerly Invitae), Labcorp
Classification: Uncertain significance. Last evaluated: 2023-08-04. Review status: criteria provided, single submitter. Criteria: Invitae Variant Classification Sherloc (09022015). Collection method: clinical testing. Allele origin: germline.
Comment: This variant has not been reported in the literature in individuals affected with TXN2-related conditions. In summary, the available evidence is currently insufficient to determine the role of this variant in disease. Therefore, it has been classified as a Variant of Uncertain Significance. An algorithm developed to predict the effect of missense changes on protein structure and function (PolyPhen-2) suggests that this variant is likely to be tolerated. ClinVar contains an entry for this variant (Variation ID: 2106608). This variant is present in population databases (rs765889740, gnomAD 0.0009%). This sequence change replaces glycine, which is neutral and non-polar, with alanine, which is neutral and non-polar, at codon 40 of the TXN2 protein (p.Gly40Ala).

NM_012473.4(TXN2):c.119G>C (p.Gly40Ala)

Gene: TXN2 (thioredoxin 2; minus strand). Cytogenetic location: 22q12.3.
Variant type: single nucleotide variant.
Coding change: c.119G>C on transcript NM_012473.4 (MANE Select); coding-DNA position 119, G replaced by C.
Protein change: p.Gly40Ala; replaces glycine 40 with alanine.
Molecular consequence: missense variant.
Genome position (GRCh38, 1-based): chr22:36,480,719, C>G on the plus strand (G>C on the coding strand, the complement: TXN2 is on the minus strand). VCF-style: chr22-36480719-C-G. GRCh37 (hg19) VCF-style: chr22-36876766-C-G.
Other names: short protein forms G40A.
Identifiers: ClinVar variation 2106608 (VCV002106608.4), dbSNP rs765889740, ClinGen allele CA10210897.